The following is an entry in ClinVar:

NM_000540.3(RYR1):c.7757T>A (p.Val2586Glu)

Gene: RYR1 (ryanodine receptor 1; plus strand). Cytogenetic location: 19q13.2.
Variant type: single nucleotide variant.
Coding change: c.7757T>A on transcript NM_000540.3 (MANE Select); coding-DNA position 7757, T replaced by A.
Protein change: p.Val2586Glu; replaces valine 2586 with glutamic acid.
Molecular consequence: missense variant.
Genome position (GRCh38, 1-based): chr19:38,502,649, T>A. VCF-style: chr19-38502649-T-A. GRCh37 (hg19) VCF-style: chr19-38993289-T-A.
Other names: c.7757T>A, p.Val2586Glu (NM_001042723.2); short protein forms V2586E.
Identifiers: ClinVar variation 654508 (VCV000654508.10), dbSNP rs577314143, ClinGen allele CA405671973.
Genomic context (GRCh38, chr19:38,502,649, plus strand): 5'-CGCCGCTCTTTGCGGGCACAGAACACCGCGCCATCATGGTGGACTCTATGCTGCATACCG[T>A]GTACCGCCTGTCTCGGGGTCGTTCGCTCACCAAGGCGCAGCGTGACGTCATCGAGGACTG-3'
Protein context (NP_000531.2, residues 2576-2596): AIMVDSMLHT[Val2586Glu]YRLSRGRSLT

ClinVar aggregate classification (germline): Conflicting classifications of pathogenicity. Review status: criteria provided, conflicting classifications (1 of 4 stars). 3 submissions from 3 submitters: Likely pathogenic (1); Uncertain significance (2). Last evaluated 2025-06-23.

Conditions:
RYR1-related disorder. Also called: RYR1-related disorders; RYR1-related condition. Identifiers: MedGen CN239331.

Allele frequency attached by ClinVar (database versions not stated): gnomAD exomes 0.00001.
gnomAD v4.1: 4 of 1,612,614 alleles (0.00025%); highest among the groups gnomAD compares: Non-Finnish European, 0.00034%; no homozygotes.

Submissions (3):

Women's Health and Genetics/Laboratory Corporation of America, LabCorp
Classification: Uncertain significance. Last evaluated: 2025-06-23. Review status: criteria provided, single submitter. Criteria: LabCorp Variant Classification Summary - May 2015. Collection method: clinical testing. Allele origin: germline.
Comment: Variant summary: RYR1 c.7757T>A (p.Val2586Glu) results in a non-conservative amino acid change in the encoded protein sequence. Algorithms developed to predict the effect of missense changes on protein structure and function all suggest that this variant is likely to be disruptive. The variant allele was found at a frequency of 8e-06 in 250268 control chromosomes. The available data on variant occurrences in the general population are insufficient to allow any conclusion about variant significance. c.7757T>A has been observed in at least one individual with symptoms consistent with autosomal recessive congenital myopathy and the variant was found to be carried in trans with a pathogenic variant (example: internal data). These data do not allow any conclusion about variant significance. To our knowledge, no experimental evidence demonstrating an impact on protein function has been reported. ClinVar contains an entry for this variant (Variation ID: 654508). Based on the evidence outlined above, the variant was classified as uncertain significance.

Labcorp Genetics (formerly Invitae), Labcorp
Classification: Likely pathogenic for RYR1-related disorder. Last evaluated: 2025-04-17. Review status: criteria provided, single submitter. Criteria: Invitae Variant Classification Sherloc (09022015). Collection method: clinical testing. Allele origin: germline.
Comment: This sequence change replaces valine, which is neutral and non-polar, with glutamic acid, which is acidic and polar, at codon 2586 of the RYR1 protein (p.Val2586Glu). This variant is present in population databases (no rsID available, gnomAD 0.002%). This missense change has been observed in individual(s) with autosomal recessive congenital myopathy (internal data). In at least one individual the data is consistent with being in trans (on the opposite chromosome) from a pathogenic variant. ClinVar contains an entry for this variant (Variation ID: 654508). Invitae Evidence Modeling of protein sequence and biophysical properties (such as structural, functional, and spatial information, amino acid conservation, physicochemical variation, residue mobility, and thermodynamic stability) has been performed for this missense variant. However, the output from this modeling did not meet the statistical confidence thresholds required to predict the impact of this variant on RYR1 protein function. In summary, the currently available evidence indicates that the variant is pathogenic, but additional data are needed to prove that conclusively. Therefore, this variant has been classified as Likely Pathogenic.

GeneDx
Classification: Uncertain significance. Last evaluated: 2024-12-16. Review status: criteria provided, single submitter. Criteria: GeneDx Variant Classification Process June 2021. Collection method: clinical testing. Allele origin: germline. Affected: yes.
Comment: Not observed at significant frequency in large population cohorts (gnomAD); In silico analysis supports that this missense variant has a deleterious effect on protein structure/function; Has not been previously published as pathogenic or benign to our knowledge